The following is an entry in ClinVar:

NM_001367561.1(DOCK7):c.3541C>T (p.Arg1181Cys)

Gene: DOCK7 (dedicator of cytokinesis 7; minus strand). Cytogenetic location: 1p31.3.
Variant type: single nucleotide variant.
Coding change: c.3541C>T on transcript NM_001367561.1 (MANE Select); coding-DNA position 3541, C replaced by T.
Protein change: p.Arg1181Cys; replaces arginine 1181 with cysteine.
Molecular consequence: missense variant.
Genome position (GRCh38, 1-based): chr1:62,535,563, G>A on the plus strand (C>T on the coding strand, the complement: DOCK7 is on the minus strand). VCF-style: chr1-62535563-G-A. GRCh37 (hg19) VCF-style: chr1-63001234-G-A.
Other names: c.3541C>T, p.Arg1181Cys (NM_001271999.2, NM_001330614.2); c.3448C>T, p.Arg1150Cys (NM_001272000.2, NM_001272001.2, NM_033407.4); short protein forms R1150C, R1181C.
Identifiers: ClinVar variation 642611 (VCV000642611.12), dbSNP rs202054691, ClinGen allele CA885961.

ClinVar aggregate classification (germline): Uncertain significance. Review status: criteria provided, multiple submitters, no conflicts (2 of 4 stars). 4 submissions from 4 submitters: Uncertain significance (4). Last evaluated 2024-11-07.

Conditions:
Developmental and epileptic encephalopathy, 23 (DEE23). Also called: Epileptic encephalopathy, early infantile, 23. Identifiers: Orphanet 411986, MedGen C4014492, MONDO:0014371, OMIM 615859.

Allele frequency attached by ClinVar (database versions not stated): gnomAD exomes below 0.00001; TOPMed below 0.00001; ExAC 0.00001; gnomAD 0.00001.
gnomAD v4.1: 7 of 1,613,840 alleles (0.00043%); highest among the groups gnomAD compares: Middle Eastern, 0.016%; no homozygotes.

Submissions (4):

Blueprint Genetics
Classification: Uncertain significance. Last evaluated: 2024-11-07. Review status: criteria provided, single submitter. Criteria: ACMG Guidelines, 2015. Collection method: clinical testing. Allele origin: germline.

Genome-Nilou Lab
Classification: Uncertain significance for Developmental and epileptic encephalopathy, 23. Last evaluated: 2023-04-11. Review status: criteria provided, single submitter. Criteria: ACMG Guidelines, 2015. Collection method: clinical testing. Allele origin: germline. Affected: no.

Diagnostics Services (NGS), CSIR - Centre For Cellular And Molecular Biology
Classification: Uncertain significance for Developmental and epileptic encephalopathy, 23. Last evaluated: 2021-03-10. Review status: criteria provided, single submitter. Criteria: ACMG Guidelines, 2015. Collection method: clinical testing. Allele origin: unknown. Inheritance: Autosomal recessive inheritance. Affected: yes. Observed: 1 variant allele, 1 heterozygote.
Comment: The c.3448C>T variant is not present in publicly available population databases like 1000 Genomes or EVS. The heterozygous state of the variant is present in ExAC, gnomAD and dbSNP at a very low frequency. The variant is not present in Indian Exome Database [Kausthubham et al. Hum Mutat, 2021] and in our in-house exome database. The variant has not been previously reported to ClinVar, HGMD and/or OMIM databases in any affected individuals. In-silico pathogenicity prediction programs like SIFT, PolyPhen-3, MutationTaster2, CADD etc. predicted this variant to be likely disease causing. There are no proven functional studies reported to prove its pathogenicity. Due to lack of enough evidence the variant has been classified as uncertain significance.

Labcorp Genetics (formerly Invitae), Labcorp
Classification: Uncertain significance for Developmental and epileptic encephalopathy, 23. Last evaluated: 2020-07-07. Review status: criteria provided, single submitter. Criteria: Invitae Variant Classification Sherloc (09022015). Collection method: clinical testing. Allele origin: germline.
Comment: This sequence change replaces arginine with cysteine at codon 1181 of the DOCK7 protein (p.Arg1181Cys). The arginine residue is highly conserved and there is a large physicochemical difference between arginine and cysteine. This variant is present in population databases (rs202054691, ExAC 0.002%). This variant has not been reported in the literature in individuals with DOCK7-related disease. Algorithms developed to predict the effect of missense changes on protein structure and function are either unavailable or do not agree on the potential impact of this missense change (SIFT: "Deleterious"; PolyPhen-2: "Probably Damaging"; Align-GVGD: "Class C0"). In summary, the available evidence is currently insufficient to determine the role of this variant in disease. Therefore, it has been classified as a Variant of Uncertain Significance.